The following is an entry in ClinVar:

ClinVar aggregate classification (germline): Uncertain significance (1 of 4 stars; one submission).

gnomAD v4.1: 1 of 1,614,168 alleles (0.000062%); highest among the groups gnomAD compares: South Asian, 0.0011%; no homozygotes.

Submission:

GeneDx
Classification: Uncertain significance. Last evaluated: 2024-09-24. Review status: criteria provided, single submitter. Criteria: GeneDx Variant Classification Process June 2021. Collection method: clinical testing. Allele origin: germline. Affected: yes.
Comment: Has not been previously published as pathogenic or benign to our knowledge; Not observed at significant frequency in large population cohorts (gnomAD); In silico analysis indicates that this missense variant does not alter protein structure/function; This variant is associated with the following publications: (PMID: 1830053, 18790697, 26109584)

NM_001148.6(ANK2):c.8977A>G (p.Ile2993Val)

Gene: ANK2 (ankyrin 2; plus strand). Cytogenetic location: 4q26.
Variant type: single nucleotide variant.
Coding change: c.8977A>G on transcript NM_001148.6 (MANE Select); coding-DNA position 8977, A replaced by G.
Protein change: p.Ile2993Val; replaces isoleucine 2993 with valine.
Molecular consequence: missense variant. On other transcripts: intron variant (68).
Genome position (GRCh38, 1-based): chr4:113,357,595, A>G. VCF-style: chr4-113357595-A-G. GRCh37 (hg19) VCF-style: chr4-114278751-A-G.
Other names: c.8743A>G, p.Ile2915Val (NM_001386142.1); c.5377A>G, p.Ile1793Val (NM_001386166.1); c.9118A>G, p.Ile3040Val (NM_001386174.1); c.9094A>G, p.Ile3032Val (NM_001386175.1); c.4412-3228A>G (NM_001386186.2, NM_001386148.2); c.4214-3228A>G (NM_001354269.3); c.4292-3228A>G (NM_001386187.2); c.4253-3228A>G (NM_001386147.1); and 35 more; short protein forms I1793V, I2915V, I2993V, I3032V, I3040V.
Identifiers: ClinVar variation 3773918 (VCV003773918.1).